The following is an entry in ClinVar:

NM_007214.5(SEC63):c.1936-1G>T

Gene: SEC63 (SEC63 protein translocation regulator; minus strand). Cytogenetic location: 6q21.
Variant type: single nucleotide variant.
Coding change: c.1936-1G>T on transcript NM_007214.5 (MANE Select); the canonical splice acceptor site of the intron before coding-DNA position 1936, G replaced by T.
Molecular consequence: splice acceptor variant.
Genome position (GRCh38, 1-based): chr6:107,876,663, C>A on the plus strand (G>T on the coding strand, the complement: SEC63 is on the minus strand). VCF-style: chr6-107876663-C-A. GRCh37 (hg19) VCF-style: chr6-108197867-C-A.
Identifiers: ClinVar variation 5021437 (VCV005021437.1).

ClinVar aggregate classification (germline): Likely pathogenic (1 of 4 stars; one submission).

Conditions:
Polycystic liver disease 2 (PCLD2). Also called: Polycystic liver disease 2 with or without kidney cysts. Identifiers: Orphanet 2924, MedGen C4310769, MONDO:0014860, OMIM 617004.

Submission:

Department of Human Genetics, SALK University Hospital, Paracelsus Medical University Salzburg
Classification: Likely pathogenic for Polycystic liver disease 2. Review status: criteria provided, single submitter. Criteria: ACMG Guidelines, 2015. Collection method: clinical testing. Allele origin: unknown. Affected: yes.
Comment: Heterozygous splice variant predicted to result in loss of the splice acceptor site of intron 18 as well as loss of the splice donor site of intron 19 ultimately leading to exon 19 skipping. The following ACMG criteria were applied in classifying this variant: PVS1_str, PM2, PP4. This variant scored 7 points (7P-0B) using the point system described in PMID:32720330

Literature cited by the submitters: PubMed 24886261.